The following is an entry in ClinVar:

NM_000291.4(PGK1):c.522-24C>T

Gene: PGK1 (phosphoglycerate kinase 1; plus strand). Cytogenetic location: Xq21.1.
Variant type: single nucleotide variant.
Coding change: c.522-24C>T on transcript NM_000291.4 (MANE Select); 24 bases into the intron before coding-DNA position 522, C replaced by T.
Molecular consequence: intron variant.
Genome position (GRCh38, 1-based): chrX:78,118,027, C>T. VCF-style: chrX-78118027-C-T. GRCh37 (hg19) VCF-style: chrX-77373524-C-T.
Identifiers: ClinVar variation 558817 (VCV000558817.9), dbSNP rs2007039, ClinGen allele CA10459725.

ClinVar aggregate classification (germline): Benign. Review status: criteria provided, multiple submitters, no conflicts (2 of 4 stars). 4 submissions from 4 submitters: Benign (3). 1 of the submissions does not count toward it. Last evaluated 2021-09-05.

Conditions:
Glycogen storage disease due to phosphoglycerate kinase 1 deficiency. Also called: PGK1 DEFICIENCY; PHOSPHOGLYCERATE KINASE 1 DEFICIENCY WITH LEVO-DOPA-RESPONSIVE PARKINSONISM. Identifiers: Orphanet 713, MedGen C1970848, MONDO:0010392, OMIM 300653.

Allele frequency attached by ClinVar (database versions not stated): gnomAD exomes 0.22470 and 0.27137; ESP Exome Variant Server 0.26615; gnomAD 0.26980 and 0.27197; ExAC 0.27274; TOPMed 0.28770; 1000 Genomes Project 30x 0.34402; 1000 Genomes Project 0.34781.
gnomAD v4.1: 274,050 of 1,194,228 alleles (23%); highest among the groups gnomAD compares: East Asian, 41%; 23,086 homozygotes.

Submissions (4):

Genome-Nilou Lab
Classification: Benign for Glycogen storage disease due to phosphoglycerate kinase 1 deficiency. Last evaluated: 2021-09-05. Review status: criteria provided, single submitter. Criteria: ACMG Guidelines, 2015. Collection method: clinical testing. Allele origin: germline. Affected: no.

GeneDx
Classification: Benign. Last evaluated: 2018-06-19. Review status: criteria provided, single submitter. Criteria: GeneDx Variant Classification (06012015). Collection method: clinical testing. Allele origin: germline. Affected: yes.
Comment: This variant is considered likely benign or benign based on one or more of the following criteria: it is a conservative change, it occurs at a poorly conserved position in the protein, it is predicted to be benign by multiple in silico algorithms, and/or has population frequency not consistent with disease.

Breakthrough Genomics
Classification: Benign. Review status: criteria provided, single submitter. Criteria: ACMG Guidelines, 2015. Collection method: not provided. Allele origin: germline. Inheritance: X-linked inheritance. Affected: yes.

Mayo Clinic Laboratories, Mayo Clinic
Classification: Benign. Last evaluated: 2015-10-23. Review status: no assertion criteria provided. Collection method: clinical testing. Allele origin: unknown. Not counted in ClinVar's aggregate classification.